The following is an entry in ClinVar:

ClinVar aggregate classification (germline): Pathogenic (1 of 4 stars; one submission).

Conditions:
Combined immunodeficiency due to STIM1 deficiency. Also called: STIM1 DEFICIENCY; IMMUNODEFICIENCY 10. Identifiers: Orphanet 169090, Orphanet 317430, MedGen C2748557, MONDO:0013008, OMIM 612783.
Myopathy with tubular aggregates (TAM). Also called: Tubular Aggregate Myopathy. Identifiers: Orphanet 2593, MedGen C0410207, MONDO:0008051.
Stormorken syndrome (STRMK). Also called: THROMBOCYTOPATHY, ASPLENIA, AND MIOSIS. Identifiers: Orphanet 3204, MedGen C1861451, MONDO:0008497, OMIM 185070.

Submission:

Labcorp Genetics (formerly Invitae), Labcorp
Classification: Pathogenic for Myopathy with tubular aggregates; Combined immunodeficiency due to STIM1 deficiency; Stormorken syndrome. Last evaluated: 2024-03-21. Review status: criteria provided, single submitter. Criteria: Invitae Variant Classification Sherloc (09022015). Collection method: clinical testing. Allele origin: germline.
Comment: This sequence change creates a premature translational stop signal (p.Ile484Metfs*20) in the STIM1 gene. While this is not anticipated to result in nonsense mediated decay, it is expected to disrupt the last 202 amino acid(s) of the STIM1 protein. This variant is not present in population databases (gnomAD no frequency). This variant has not been reported in the literature in individuals affected with STIM1-related conditions. ClinVar contains an entry for this variant (Variation ID: 572186). Algorithms developed to predict the effect of sequence changes on RNA splicing suggest that this variant may create or strengthen a splice site. This variant disrupts a region of the STIM1 protein in which other variant(s) (p.Ile484Argfs*21) have been determined to be pathogenic (PMID: 27066587). This suggests that this is a clinically significant region of the protein, and that variants that disrupt it are likely to be disease-causing. For these reasons, this variant has been classified as Pathogenic.

Literature cited by the submitters: PubMed 27066587.

NM_001382567.1(STIM1):c.1452del (p.Ile484fs)

Gene: STIM1 (stromal interaction molecule 1; plus strand). Cytogenetic location: 11p15.4.
Variant type: Deletion.
Coding change: c.1452del on transcript NM_001382567.1 (MANE Select); coding-DNA position 1452, one base deleted (T; older notation c.1452delT).
Protein change: p.Ile484fs; shifts the reading frame from isoleucine 484.
Molecular consequence: frameshift variant. On other transcripts: non-coding transcript variant (2).
Genome position (GRCh38, 1-based): chr11:4,083,476, T deleted; the last of 2 consecutive T bases (chr11:4,083,475-4,083,476); deleting either gives the same sequence. VCF-style (leftmost placement, unchanged base first): chr11-4083474-AT-A. GRCh37 (hg19) VCF-style: chr11-4104704-AT-A.
Other names: c.1452delT (NM_003156.3); c.1452del, p.Ile484fs (NM_001277961.3, NM_001277962.2, NM_003156.4); c.1230del, p.Ile410fs (NM_001382566.1, NM_001382573.1, NM_001382575.1 and 4 more transcripts); c.1473del, p.Ile491fs (NM_001382568.1); c.1317del, p.Ile439fs (NM_001382569.1); c.1224del, p.Ile408fs (NM_001382570.1); c.972del, p.Ile324fs (NM_001382571.1); c.963del, p.Ile321fs (NM_001382580.1, NM_001382581.1); short protein forms I484fs, I321fs, I324fs, I408fs, I410fs, I439fs, I491fs.
Identifiers: ClinVar variation 572186 (VCV000572186.11), dbSNP rs1565171115, ClinGen allele CA891843057.